The following is an entry in ClinVar:

ClinVar aggregate classification (germline): Uncertain significance (1 of 4 stars; one submission).

gnomAD v4.1: 10 of 1,579,596 alleles (0.00063%); highest among the groups gnomAD compares: African/African-American, 0.011%; no homozygotes.

Submission:

Labcorp Genetics (formerly Invitae), Labcorp
Classification: Uncertain significance. Last evaluated: 2023-06-02. Review status: criteria provided, single submitter. Criteria: Invitae Variant Classification Sherloc (09022015). Collection method: clinical testing. Allele origin: germline.
Comment: In summary, the available evidence is currently insufficient to determine the role of this variant in disease. Therefore, it has been classified as a Variant of Uncertain Significance. Advanced modeling of protein sequence and biophysical properties (such as structural, functional, and spatial information, amino acid conservation, physicochemical variation, residue mobility, and thermodynamic stability) performed at Invitae indicates that this missense variant is not expected to disrupt FBN3 protein function. This variant has not been reported in the literature in individuals affected with FBN3-related conditions. This variant is present in population databases (rs757123409, gnomAD 0.02%). This sequence change replaces arginine, which is basic and polar, with leucine, which is neutral and non-polar, at codon 1350 of the FBN3 protein (p.Arg1350Leu).

NM_032447.5(FBN3):c.4049G>T (p.Arg1350Leu)

Gene: FBN3 (fibrillin 3; minus strand). Cytogenetic location: 19p13.2.
Variant type: single nucleotide variant.
Coding change: c.4049G>T on transcript NM_032447.5 (MANE Select); coding-DNA position 4049, G replaced by T.
Protein change: p.Arg1350Leu; replaces arginine 1350 with leucine.
Molecular consequence: missense variant.
Genome position (GRCh38, 1-based): chr19:8,111,683, C>A on the plus strand (G>T on the coding strand, the complement: FBN3 is on the minus strand). VCF-style: chr19-8111683-C-A. GRCh37 (hg19) VCF-style: chr19-8176567-C-A.
Other names: c.4049G>T, p.Arg1350Leu (NM_001321431.2); short protein forms R1350L.
Identifiers: ClinVar variation 2723261 (VCV002723261.3), dbSNP rs757123409, ClinGen allele CA9152216.
Genomic context (GRCh38, chr19:8,111,683, plus strand): 5'-TGCCCTCCCACCCCTCTAATCTCACCTTCGCAGAAGAAGCCATCCCCGGCAAAGCCCTGG[C>A]GGCAGGTGCAGCGGTAGGAGCCAGGGACATTGAGACAGTCACCTCTTGGGCTGCACCGGT-3'
Protein context (NP_115823.3, residues 1340-1360): NVPGSYRCTC[Arg1350Leu]QGFAGDGFFC